The following is an entry in ClinVar:

ClinVar aggregate classification (germline): Uncertain significance (1 of 4 stars; one submission).

Conditions:
Inborn genetic diseases. Identifiers: MedGen C0950123, MeSH D030342.

Submission:

Ambry Genetics
Classification: Uncertain significance for Inborn genetic diseases. Last evaluated: 2025-05-28. Review status: criteria provided, single submitter. Criteria: Ambry Variant Classification Scheme 2023. Collection method: clinical testing. Allele origin: germline.
Comment: The p.I310T variant (also known as c.929T>C), located in coding exon 1 of the SAMD9L gene, results from a T to C substitution at nucleotide position 929. The isoleucine at codon 310 is replaced by threonine, an amino acid with similar properties. This amino acid position is conserved. In addition, this alteration is predicted to be tolerated by in silico analysis. Based on the available evidence, the clinical significance of this variant remains unclear.

NM_152703.5(SAMD9L):c.929T>C (p.Ile310Thr)

Gene: SAMD9L (sterile alpha motif domain containing 9 like; minus strand). Cytogenetic location: 7q21.2.
Variant type: single nucleotide variant.
Coding change: c.929T>C on transcript NM_152703.5 (MANE Select); coding-DNA position 929, T replaced by C.
Protein change: p.Ile310Thr; replaces isoleucine 310 with threonine.
Molecular consequence: missense variant.
Genome position (GRCh38, 1-based): chr7:93,135,043, A>G on the plus strand (T>C on the coding strand, the complement: SAMD9L is on the minus strand). VCF-style: chr7-93135043-A-G. GRCh37 (hg19) VCF-style: chr7-92764356-A-G.
Other names: c.929T>C, p.Ile310Thr (NM_001303496.3, NM_001303497.3, NM_001303498.3 and 5 more transcripts); short protein forms I310T.
Identifiers: ClinVar variation 3949969 (VCV003949969.1).
Genomic context (GRCh38, chr7:93,135,043, plus strand): 5'-TCTTTACAAATTTGCATCTGAATGTAGAAATACTTATCATTACATATAGAGTGTTTTGGA[A>G]TAGTATCAACTTCAATGACAAATCTGTCAGATGGTGTATTGTTCTGCAGAAGGACTTCCA-3'
Protein context (NP_689916.2, residues 300-320): SDRFVIEVDT[Ile310Thr]PKHSICNDKY